The following is an entry in ClinVar:

ClinVar aggregate classification (germline): Uncertain significance (1 of 4 stars; one submission).

Allele frequency attached by ClinVar (database versions not stated): gnomAD exomes below 0.00001.

Submission:

Labcorp Genetics (formerly Invitae), Labcorp
Classification: Uncertain significance. Last evaluated: 2023-10-20. Review status: criteria provided, single submitter. Criteria: Invitae Variant Classification Sherloc (09022015). Collection method: clinical testing. Allele origin: germline.
Comment: This sequence change replaces valine, which is neutral and non-polar, with leucine, which is neutral and non-polar, at codon 1632 of the SNRNP200 protein (p.Val1632Leu). This variant is not present in population databases (gnomAD no frequency). This variant has not been reported in the literature in individuals affected with SNRNP200-related conditions. ClinVar contains an entry for this variant (Variation ID: 2011442). Advanced modeling of protein sequence and biophysical properties (such as structural, functional, and spatial information, amino acid conservation, physicochemical variation, residue mobility, and thermodynamic stability) has been performed at Invitae for this missense variant, however the output from this modeling did not meet the statistical confidence thresholds required to predict the impact of this variant on SNRNP200 protein function. In summary, the available evidence is currently insufficient to determine the role of this variant in disease. Therefore, it has been classified as a Variant of Uncertain Significance.

NM_014014.5(SNRNP200):c.4894G>T (p.Val1632Leu)

Gene: SNRNP200 (small nuclear ribonucleoprotein U5 subunit 200; minus strand). Cytogenetic location: 2q11.2.
Variant type: single nucleotide variant.
Coding change: c.4894G>T on transcript NM_014014.5 (MANE Select); coding-DNA position 4894, G replaced by T.
Protein change: p.Val1632Leu; replaces valine 1632 with leucine.
Molecular consequence: missense variant.
Genome position (GRCh38, 1-based): chr2:96,283,222, C>A on the plus strand (G>T on the coding strand, the complement: SNRNP200 is on the minus strand). VCF-style: chr2-96283222-C-A. GRCh37 (hg19) VCF-style: chr2-96948960-C-A.
Other names: short protein forms V1632L.
Identifiers: ClinVar variation 2011442 (VCV002011442.4), dbSNP rs2063816310, ClinGen allele CA347663076.